The following is an entry in ClinVar:

NM_032603.5(LOXL3):c.1940-8C>A

Gene: LOXL3 (lysyl oxidase like 3; minus strand). Cytogenetic location: 2p13.1.
Variant type: single nucleotide variant.
Coding change: c.1940-8C>A on transcript NM_032603.5 (MANE Select); 8 bases into the intron before coding-DNA position 1940, C replaced by A.
Molecular consequence: intron variant.
Genome position (GRCh38, 1-based): chr2:74,534,244, G>T on the plus strand (C>A on the coding strand, the complement: LOXL3 is on the minus strand). VCF-style: chr2-74534244-G-T. GRCh37 (hg19) VCF-style: chr2-74761371-G-T.
Other names: c.1505-8C>A (NM_001289164.3); c.857-8C>A (NM_001289165.2); c.1940-8C>A (NM_032603.4).
Identifiers: ClinVar variation 2044769 (VCV002044769.5), dbSNP rs2529924627, ClinGen allele CA2580068220.
Genomic context (GRCh38, chr2:74,534,244, plus strand): 5'-CACAGTGATGCCTTGCTCTCCAAAGTTGGCACACTCATACCGCTTGGAGACATCTGGAGG[G>T]ATTGGCATATGTCAGTGTAAGGAAAGGCTGTGCAATGGATACCATGTGGTTCACTTCAGT-3'

ClinVar aggregate classification (germline): Likely benign. Review status: criteria provided, multiple submitters, no conflicts (2 of 4 stars). 2 submissions from 2 submitters: Likely benign (2). Last evaluated 2025-01-23.

Conditions:
LOXL3-related disorder. Also called: LOXL3-related condition.

Allele frequency attached by ClinVar (database versions not stated): gnomAD exomes below 0.00001.
gnomAD v4.1: 1 of 1,614,214 alleles (0.000062%); highest among the groups gnomAD compares: Admixed American, 0.0017%; no homozygotes.

Submissions (2):

PreventionGenetics, part of Exact Sciences
Classification: Likely benign for LOXL3-related condition. Last evaluated: 2025-01-23. Review status: criteria provided, single submitter. Criteria: ACMG Guidelines, 2015. Collection method: clinical testing. Allele origin: germline.
Comment: This variant is classified as likely benign based on ACMG/AMP sequence variant interpretation guidelines (Richards et al. 2015 PMID: 25741868, with internal and published modifications).

Labcorp Genetics (formerly Invitae), Labcorp
Classification: Likely benign. Last evaluated: 2024-10-17. Review status: criteria provided, single submitter. Criteria: Invitae Variant Classification Sherloc (09022015). Collection method: clinical testing. Allele origin: germline.